The following is an entry in ClinVar:

NM_001370466.1(NOD2):c.2369G>A (p.Cys790Tyr)

Gene: NOD2 (nucleotide binding oligomerization domain containing 2; plus strand). Cytogenetic location: 16q12.1.
Variant type: single nucleotide variant.
Coding change: c.2369G>A on transcript NM_001370466.1 (MANE Select); coding-DNA position 2369, G replaced by A.
Protein change: p.Cys790Tyr; replaces cysteine 790 with tyrosine.
Molecular consequence: missense variant. On other transcripts: non-coding transcript variant (1).
Genome position (GRCh38, 1-based): chr16:50,712,361, G>A. VCF-style: chr16-50712361-G-A. GRCh37 (hg19) VCF-style: chr16-50746272-G-A.
Other names: c.2369G>A, p.Cys790Tyr (NM_001293557.2); c.2450G>A, p.Cys817Tyr (NM_022162.3); short protein forms C790Y, C817Y.
Identifiers: ClinVar variation 2941716 (VCV002941716.3), dbSNP rs758782544, ClinGen allele CA8051770.

ClinVar aggregate classification (germline): Uncertain significance (1 of 4 stars; one submission).

Conditions:
Regional enteritis. Also called: Enteritis, Granulomatous. Identifiers: MedGen C0678202, MeSH D003424.
Blau syndrome (BLAUS). Also called: ARTHROCUTANEOUVEAL GRANULOMATOSIS; GRANULOMATOSIS, FAMILIAL JUVENILE SYSTEMIC; GRANULOMATOSIS, FAMILIAL, BLAU TYPE; GRANULOMATOUS INFLAMMATORY ARTHRITIS, DERMATITIS, AND UVEITIS, FAMILIAL; JABS SYNDROME. Identifiers: Orphanet 90340, MedGen C5201146, MONDO:0008523, OMIM 186580.

Allele frequency attached by ClinVar (database versions not stated): gnomAD exomes 0.00001; ExAC 0.00002.
gnomAD v4.1: 8 of 1,613,788 alleles (0.0005%); highest among the groups gnomAD compares: Non-Finnish European, 0.00068%; no homozygotes.

Submission:

Labcorp Genetics (formerly Invitae), Labcorp
Classification: Uncertain significance for Regional enteritis; Blau syndrome. Last evaluated: 2025-01-13. Review status: criteria provided, single submitter. Criteria: Invitae Variant Classification Sherloc (09022015). Collection method: clinical testing. Allele origin: germline.
Comment: This sequence change replaces cysteine, which is neutral and slightly polar, with tyrosine, which is neutral and polar, at codon 817 of the NOD2 protein (p.Cys817Tyr). This variant is present in population databases (rs758782544, gnomAD 0.004%). This variant has not been reported in the literature in individuals affected with NOD2-related conditions. ClinVar contains an entry for this variant (Variation ID: 2941716). Invitae Evidence Modeling of protein sequence and biophysical properties (such as structural, functional, and spatial information, amino acid conservation, physicochemical variation, residue mobility, and thermodynamic stability) has been performed for this missense variant. However, the output from this modeling did not meet the statistical confidence thresholds required to predict the impact of this variant on NOD2 protein function. In summary, the available evidence is currently insufficient to determine the role of this variant in disease. Therefore, it has been classified as a Variant of Uncertain Significance.